The following is an entry in ClinVar:

ClinVar aggregate classification (germline): Uncertain significance. Review status: criteria provided, multiple submitters, no conflicts (2 of 4 stars). 2 submissions from 2 submitters: Uncertain significance (2). Last evaluated 2026-01-14.

Conditions:
HK1-related disorder. Also called: HK1-related condition; HK1-related disorders.

gnomAD v4.1: 3 of 1,614,240 alleles (0.00019%); highest among the groups gnomAD compares: South Asian, 0.0022%; no homozygotes.

Submissions (2):

PreventionGenetics, part of Exact Sciences
Classification: Uncertain significance for HK1-related condition. Last evaluated: 2026-01-14. Review status: criteria provided, single submitter. Criteria: ACMG Guidelines, 2015. Collection method: clinical testing. Allele origin: germline.
Comment: The HK1 c.2537G>T variant is predicted to result in the amino acid substitution p.Arg846Leu. To our knowledge, this variant has not been reported in the literature. This variant is reported in 0.0033% of alleles in individuals of South Asian descent in gnomAD. At this time, the clinical significance of this variant is uncertain due to the absence of conclusive functional and genetic evidence.

Labcorp Genetics (formerly Invitae), Labcorp
Classification: Uncertain significance. Last evaluated: 2025-10-06. Review status: criteria provided, single submitter. Criteria: Invitae Variant Classification Sherloc (09022015). Collection method: clinical testing. Allele origin: germline.
Comment: This sequence change replaces arginine, which is basic and polar, with leucine, which is neutral and non-polar, at codon 846 of the HK1 protein (p.Arg846Leu). This variant is present in population databases (rs372212480, gnomAD 0.003%). This variant has not been reported in the literature in individuals affected with HK1-related conditions. ClinVar contains an entry for this variant (Variation ID: 1991650). Invitae Evidence Modeling of protein sequence and biophysical properties (such as structural, functional, and spatial information, amino acid conservation, physicochemical variation, residue mobility, and thermodynamic stability) indicates that this missense variant is expected to disrupt HK1 protein function with a positive predictive value of 80%. In summary, the available evidence is currently insufficient to determine the role of this variant in disease. Therefore, it has been classified as a Variant of Uncertain Significance.

NM_000188.3(HK1):c.2537G>T (p.Arg846Leu)

Gene: HK1 (hexokinase 1; plus strand). Cytogenetic location: 10q22.1.
Variant type: single nucleotide variant.
Coding change: c.2537G>T on transcript NM_000188.3 (MANE Select); coding-DNA position 2537, G replaced by T.
Protein change: p.Arg846Leu; replaces arginine 846 with leucine.
Molecular consequence: missense variant.
Genome position (GRCh38, 1-based): chr10:69,398,756, G>T. VCF-style: chr10-69398756-G-T. GRCh37 (hg19) VCF-style: chr10-71158512-G-T.
Other names: c.2549G>T, p.Arg850Leu (NM_001322364.2, NM_001358263.1, NM_033497.3 and 1 more transcripts); c.2642G>T, p.Arg881Leu (NM_001322365.2); c.2453G>T, p.Arg818Leu (NM_001322366.1); c.2441G>T, p.Arg814Leu (NM_001322367.1); c.2534G>T, p.Arg845Leu (NM_033496.3); c.2501G>T, p.Arg834Leu (NM_033500.2); c.2537G>T (NM_000188.2); short protein forms R834L, R850L, R814L, R881L, R818L, R845L, R846L.
Identifiers: ClinVar variation 1991650 (VCV001991650.5), dbSNP rs372212480, ClinGen allele CA5532872.
Genomic context (GRCh38, chr10:69,398,756, plus strand): 5'-TGTCCAGGAGGGCCGCACAGCTGTGTGGCGCAGGCATGGCTGCGGTTGTGGATAAGATCC[G>T]CGAGAACAGAGGACTGGACCGTCTGAATGTGACTGTGGGAGTGGACGGGACACTCTACAA-3'
Protein context (NP_000179.2, residues 836-856): AGMAAVVDKI[Arg846Leu]ENRGLDRLNV